The following is an entry in ClinVar:

NM_153704.6(TMEM67):c.1810A>G (p.Ile604Val)

Gene: TMEM67 (transmembrane protein 67; plus strand). Cytogenetic location: 8q22.1.
Variant type: single nucleotide variant.
Coding change: c.1810A>G on transcript NM_153704.6 (MANE Select); coding-DNA position 1810, A replaced by G.
Protein change: p.Ile604Val; replaces isoleucine 604 with valine.
Molecular consequence: missense variant. On other transcripts: non-coding transcript variant (1).
Genome position (GRCh38, 1-based): chr8:93,795,937, A>G. VCF-style: chr8-93795937-A-G. GRCh37 (hg19) VCF-style: chr8-94808165-A-G.
Other names: c.1567A>G, p.Ile523Val (NM_001142301.1); short protein forms I523V, I604V.
Identifiers: ClinVar variation 126301 (VCV000126301.37), dbSNP rs3134031, ClinGen allele CA150990.

ClinVar aggregate classification (germline): Benign. Review status: criteria provided, multiple submitters, no conflicts (2 of 4 stars). 19 submissions from 14 submitters: Benign (15). 4 of the submissions do not count toward it. Last evaluated 2026-06-28.

Conditions:
COACH syndrome 1. Identifiers: Orphanet 1454, MedGen C5435651, MONDO:0800103, OMIM 216360, MONDO:0008996.
Joubert syndrome. Also called: JOUBERT-BOLTSHAUSER SYNDROME; Familial aplasia of the vermis. Identifiers: Orphanet 475, MedGen C5979921, MONDO:0018772.
Meckel-Gruber syndrome. Also called: Dysencephalia splachnocystica; DYSENCEPHALIA SPLANCHNOCYSTICA; GRUBER SYNDROME. Identifiers: Orphanet 564, MedGen C0265215, MONDO:0018921.
Meckel syndrome, type 3 (MKS3). Also called: MECKEL-GRUBER SYNDROME, TYPE 3. Identifiers: Orphanet 564, MedGen C1846357, MONDO:0011821, OMIM 607361.
Joubert syndrome 6 (JBTS6). Identifiers: Orphanet 475, MedGen C1853153, MONDO:0012539, OMIM 610688.
Nephronophthisis 11 (NPHP11). Identifiers: Orphanet 84081, MedGen C3150796, MONDO:0013302, OMIM 613550.

Allele frequency attached by ClinVar (database versions not stated): gnomAD 0.64845 and 0.64861; TOPMed 0.66011; gnomAD exomes 0.60987 and 0.63998; ExAC 0.63694; ESP Exome Variant Server 0.64042; 1000 Genomes Project 30x 0.69285; 1000 Genomes Project 0.69289.
gnomAD v4.1: 988,416 of 1,610,204 alleles (61%); highest among the groups gnomAD compares: African/African-American, 73%; 305,593 homozygotes.

Submissions (19):

Women's Health and Genetics/Laboratory Corporation of America, LabCorp
Classification: Benign. Last evaluated: 2026-06-28. Review status: criteria provided, single submitter. Criteria: LabCorp Variant Classification Summary - May 2015. Collection method: clinical testing. Allele origin: germline.

Labcorp Genetics (formerly Invitae), Labcorp
Classification: Benign for Joubert syndrome; Meckel-Gruber syndrome. Last evaluated: 2026-02-04. Review status: criteria provided, single submitter. Criteria: Invitae Variant Classification Sherloc (09022015). Collection method: clinical testing. Allele origin: germline.

Blueprint Genetics
Classification: Benign. Last evaluated: 2024-11-27. Review status: criteria provided, single submitter. Criteria: ACMG Guidelines, 2015. Collection method: clinical testing. Allele origin: germline.

Mayo Clinic Laboratories, Mayo Clinic
Classification: Benign. Last evaluated: 2022-03-24. Review status: criteria provided, single submitter. Criteria: ACMG Guidelines, 2015. Collection method: clinical testing. Allele origin: germline. Observed: 593 variant alleles.

Genome-Nilou Lab
Classification: Benign for COACH syndrome 1. Last evaluated: 2021-09-10. Review status: criteria provided, single submitter. Criteria: ACMG Guidelines, 2015. Collection method: clinical testing. Allele origin: germline. Affected: no.

Genome-Nilou Lab
Classification: Benign for Joubert syndrome 6. Last evaluated: 2021-09-10. Review status: criteria provided, single submitter. Criteria: ACMG Guidelines, 2015. Collection method: clinical testing. Allele origin: germline. Affected: no.

Genome-Nilou Lab
Classification: Benign for Meckel syndrome, type 3. Last evaluated: 2021-09-10. Review status: criteria provided, single submitter. Criteria: ACMG Guidelines, 2015. Collection method: clinical testing. Allele origin: germline. Affected: no.

Genome-Nilou Lab
Classification: Benign for Nephronophthisis 11. Last evaluated: 2021-09-10. Review status: criteria provided, single submitter. Criteria: ACMG Guidelines, 2015. Collection method: clinical testing. Allele origin: germline. Affected: no.

Illumina Laboratory Services, Illumina
Classification: Benign for Joubert syndrome 6. Last evaluated: 2018-01-13. Review status: criteria provided, single submitter. Criteria: ICSL Variant Classification Criteria 13 December 2019. Collection method: clinical testing. Allele origin: germline.
Comment: This variant was observed in the ICSL laboratory as part of a predisposition screen in an ostensibly healthy population. It had not been previously curated by ICSL or reported in the Human Gene Mutation Database (HGMD: prior to June 1st, 2018), and was therefore a candidate for classification through an automated scoring system. Utilizing variant allele frequency, disease prevalence and penetrance estimates, and inheritance mode, an automated score was calculated to assess if this variant is too frequent to cause the disease. Based on the score and internal cut-off values, a variant classified as benign is not then subjected to further curation. The score for this variant resulted in a classification of benign for this disease.

Illumina Laboratory Services, Illumina
Classification: Benign for Meckel syndrome, type 3. Last evaluated: 2018-01-13. Review status: criteria provided, single submitter. Criteria: ICSL Variant Classification Criteria 13 December 2019. Collection method: clinical testing. Allele origin: germline.
Comment: the same text as in the submission from Illumina Laboratory Services, Illumina above.

Illumina Laboratory Services, Illumina
Classification: Benign for Nephronophthisis 11. Last evaluated: 2018-01-13. Review status: criteria provided, single submitter. Criteria: ICSL Variant Classification Criteria 13 December 2019. Collection method: clinical testing. Allele origin: germline.
Comment: the same text as in the submission from Illumina Laboratory Services, Illumina above.

Athena Diagnostics
Classification: Benign. Last evaluated: 2017-07-26. Review status: criteria provided, single submitter. Criteria: Athena Diagnostics Criteria. Collection method: clinical testing. Allele origin: germline.

GeneDx
Classification: Benign. Last evaluated: 2015-03-03. Review status: criteria provided, single submitter. Criteria: GeneDx Variant Classification Process June 2021. Collection method: clinical testing. Allele origin: germline. Affected: yes.

Breakthrough Genomics
Classification: Benign. Review status: criteria provided, single submitter. Criteria: ACMG Guidelines, 2015. Collection method: not provided. Allele origin: germline. Inheritance: Autosomal recessive inheritance. Affected: yes.

PreventionGenetics, part of Exact Sciences
Classification: Benign. Review status: criteria provided, single submitter. Criteria: ACMG Guidelines, 2015. Collection method: clinical testing. Allele origin: germline.

Clinical Genetics DNA and cytogenetics Diagnostics Lab, Erasmus MC, Erasmus Medical Center
Classification: Benign. Review status: no assertion criteria provided. Collection method: clinical testing. Allele origin: germline. Affected: yes. Study: VKGL Data-share Consensus. Not counted in ClinVar's aggregate classification.

Diagnostic Laboratory, Department of Genetics, University Medical Center Groningen
Classification: Benign. Review status: no assertion criteria provided. Collection method: clinical testing. Allele origin: germline. Affected: yes. Study: VKGL Data-share Consensus. Not counted in ClinVar's aggregate classification.

Genetic Services Laboratory, University of Chicago
Classification: Likely benign for AllHighlyPenetrant. Review status: no assertion criteria provided. Collection method: clinical testing. Allele origin: germline. Inheritance: Autosomal recessive inheritance. Observed: 545 variant alleles. Not counted in ClinVar's aggregate classification.
Comment: Likely benign based on allele frequency in 1000 Genomes Project or ESP global frequency and its presence in a patient with a rare or unrelated disease phenotype. NOT Sanger confirmed.

Joint Genome Diagnostic Labs from Nijmegen and Maastricht, Radboudumc and MUMC+
Classification: Benign. Review status: no assertion criteria provided. Collection method: clinical testing. Allele origin: germline. Affected: yes. Study: VKGL Data-share Consensus. Not counted in ClinVar's aggregate classification.